The following is an entry in ClinVar:

NM_004456.5(EZH2):c.963C>G (p.Asp321Glu)

Gene: EZH2 (enhancer of zeste 2 polycomb repressive complex 2 subunit; minus strand). Cytogenetic location: 7q36.1.
Variant type: single nucleotide variant.
Coding change: c.963C>G on transcript NM_004456.5 (MANE Select); coding-DNA position 963, C replaced by G.
Protein change: p.Asp321Glu; replaces aspartic acid 321 with glutamic acid.
Molecular consequence: missense variant.
Genome position (GRCh38, 1-based): chr7:148,819,632, G>C on the plus strand (C>G on the coding strand, the complement: EZH2 is on the minus strand). VCF-style: chr7-148819632-G-C. GRCh37 (hg19) VCF-style: chr7-148516724-G-C.
Other names: c.948C>G, p.Asp316Glu (NM_001203247.2); c.921C>G, p.Asp307Glu (NM_001203248.2, NM_001203249.2); c.831C>G, p.Asp277Glu (NM_152998.3); short protein forms D316E, D277E, D307E, D321E.
Identifiers: ClinVar variation 2081102 (VCV002081102.4), dbSNP rs762088344, ClinGen allele CA369718276.

ClinVar aggregate classification (germline): Uncertain significance (1 of 4 stars; one submission).

Conditions:
Weaver syndrome (WVS). Also called: Weaver Smith syndrome; Overgrowth syndrome with accelerated skeletal maturation, unusual facies, and camptodactyly. Identifiers: Orphanet 3447, MedGen C0265210, MONDO:0010193, OMIM 277590.

Submission:

Labcorp Genetics (formerly Invitae), Labcorp
Classification: Uncertain significance for Weaver syndrome. Last evaluated: 2022-04-01. Review status: criteria provided, single submitter. Criteria: Invitae Variant Classification Sherloc (09022015). Collection method: clinical testing. Allele origin: germline.
Comment: Advanced modeling of protein sequence and biophysical properties (such as structural, functional, and spatial information, amino acid conservation, physicochemical variation, residue mobility, and thermodynamic stability) performed at Invitae indicates that this missense variant is not expected to disrupt EZH2 protein function. In summary, the available evidence is currently insufficient to determine the role of this variant in disease. Therefore, it has been classified as a Variant of Uncertain Significance. This variant has not been reported in the literature in individuals affected with EZH2-related conditions. This variant is not present in population databases (gnomAD no frequency). This sequence change replaces aspartic acid, which is acidic and polar, with glutamic acid, which is acidic and polar, at codon 321 of the EZH2 protein (p.Asp321Glu).